The following is an entry in ClinVar:

ClinVar aggregate classification (germline): Uncertain significance (1 of 4 stars; one submission).

Conditions:
Hereditary cancer-predisposing syndrome. Also called: Tumor predisposition; Hereditary Cancer Syndrome; Neoplastic Syndromes, Hereditary; Hereditary neoplastic syndrome. Identifiers: Orphanet 140162, MedGen C0027672, MeSH D009386, MONDO:0015356.

Submission:

Ambry Genetics
Classification: Uncertain significance for Hereditary cancer-predisposing syndrome. Last evaluated: 2019-09-28. Review status: criteria provided, single submitter. Criteria: Ambry Variant Classification Scheme 2023. Collection method: clinical testing. Allele origin: germline.
Comment: The p.T311S variant (also known as c.932C>G), located in coding exon 6 of the MEN1 gene, results from a C to G substitution at nucleotide position 932. The threonine at codon 311 is replaced by serine, an amino acid with similar properties. This amino acid position is not well conserved in available vertebrate species. In addition, the in silico prediction for this alteration is inconclusive. Since supporting evidence is limited at this time, the clinical significance of this alteration remains unclear.

NM_001370259.2(MEN1):c.932C>G (p.Thr311Ser)

Gene: MEN1 (menin 1; minus strand). Cytogenetic location: 11q13.1.
Variant type: single nucleotide variant.
Coding change: c.932C>G on transcript NM_001370259.2 (MANE Select); coding-DNA position 932, C replaced by G.
Protein change: p.Thr311Ser; replaces threonine 311 with serine.
Molecular consequence: missense variant.
Genome position (GRCh38, 1-based): chr11:64,806,349, G>C on the plus strand (C>G on the coding strand, the complement: MEN1 is on the minus strand). VCF-style: chr11-64806349-G-C. GRCh37 (hg19) VCF-style: chr11-64573821-G-C.
Other names: c.947C>G, p.Thr316Ser (NM_000244.4, NM_130800.3, NM_130801.3 and 3 more transcripts); c.932C>G, p.Thr311Ser (NM_001370251.2, NM_001370260.2, NM_001370261.2 and 1 more transcripts); c.827C>G, p.Thr276Ser (NM_001370262.2, NM_001370263.2); short protein forms T276S, T316S, T311S.
Identifiers: ClinVar variation 823170 (VCV000823170.5), dbSNP rs1565644342, ClinGen allele CA381183421.